The following is an entry in ClinVar:

ClinVar aggregate classification (germline): Uncertain significance (1 of 4 stars; one submission).

gnomAD v4.1: 1 of 1,614,102 alleles (0.000062%); highest among the groups gnomAD compares: African/African-American, 0.0013%; no homozygotes.

Submission:

Labcorp Genetics (formerly Invitae), Labcorp
Classification: Uncertain significance. Last evaluated: 2024-06-04. Review status: criteria provided, single submitter. Criteria: Invitae Variant Classification Sherloc (09022015). Collection method: clinical testing. Allele origin: germline.
Comment: This sequence change replaces isoleucine, which is neutral and non-polar, with valine, which is neutral and non-polar, at codon 114 of the SLC10A2 protein (p.Ile114Val). This variant is not present in population databases (gnomAD no frequency). This variant has not been reported in the literature in individuals affected with SLC10A2-related conditions. Advanced modeling of protein sequence and biophysical properties (such as structural, functional, and spatial information, amino acid conservation, physicochemical variation, residue mobility, and thermodynamic stability) performed at Invitae indicates that this missense variant is not expected to disrupt SLC10A2 protein function with a negative predictive value of 80%. In summary, the available evidence is currently insufficient to determine the role of this variant in disease. Therefore, it has been classified as a Variant of Uncertain Significance.

NM_000452.3(SLC10A2):c.340A>G (p.Ile114Val)

Gene: SLC10A2 (solute carrier family 10 member 2; minus strand). Cytogenetic location: 13q33.1.
Variant type: single nucleotide variant.
Coding change: c.340A>G on transcript NM_000452.3 (MANE Select); coding-DNA position 340, A replaced by G.
Protein change: p.Ile114Val; replaces isoleucine 114 with valine.
Molecular consequence: missense variant.
Genome position (GRCh38, 1-based): chr13:103,065,910, T>C on the plus strand (A>G on the coding strand, the complement: SLC10A2 is on the minus strand). VCF-style: chr13-103065910-T-C. GRCh37 (hg19) VCF-style: chr13-103718260-T-C.
Other names: short protein forms I114V.
Identifiers: ClinVar variation 3633057 (VCV003633057.2).